The following is an entry in ClinVar:

NM_002156.5(HSPD1):c.279T>G (p.Ile93Met)

Gene: HSPD1 (heat shock protein family D (Hsp60) member 1; minus strand). Cytogenetic location: 2q33.1.
Variant type: single nucleotide variant.
Coding change: c.279T>G on transcript NM_002156.5 (MANE Select); coding-DNA position 279, T replaced by G.
Protein change: p.Ile93Met; replaces isoleucine 93 with methionine.
Molecular consequence: missense variant.
Genome position (GRCh38, 1-based): chr2:197,497,288, A>C on the plus strand (T>G on the coding strand, the complement: HSPD1 is on the minus strand). VCF-style: chr2-197497288-A-C. GRCh37 (hg19) VCF-style: chr2-198362012-A-C.
Other names: c.279T>G, p.Ile93Met (NM_199440.2); short protein forms I93M.
Identifiers: ClinVar variation 4743566 (VCV004743566.1).
Genomic context (GRCh38, chr2:197,497,288, plus strand): 5'-AGTGCCATCCCCAGCTTCTTCATTTGTGTTATTGGCAACATCTTGAACAAGTTTAGCTCC[A>C]ATGTTTTTGTATTTATCTTTTAAGTCAATTGACTTTGCAACAGTCACACCATCTTTTGTT-3'
Protein context (NP_002147.2, residues 83-103): SIDLKDKYKN[Ile93Met]GAKLVQDVAN

ClinVar aggregate classification (germline): Uncertain significance (1 of 4 stars; one submission).

Conditions:
Spastic paraplegia. Identifiers: MedGen C0037772, HP:0001258.

gnomAD v4.1: 49 of 1,613,924 alleles (0.003%); highest among the groups gnomAD compares: South Asian, 0.049%; 1 homozygote.

Submission:

Labcorp Genetics (formerly Invitae), Labcorp
Classification: Uncertain significance for Spastic paraplegia. Last evaluated: 2026-01-02. Review status: criteria provided, single submitter. Criteria: Invitae Variant Classification Sherloc (09022015). Collection method: clinical testing. Allele origin: germline.
Comment: This sequence change replaces isoleucine, which is neutral and non-polar, with methionine, which is neutral and non-polar, at codon 93 of the HSPD1 protein (p.Ile93Met). This variant is present in population databases (rs547371251, gnomAD 0.04%). This missense change has been observed in individual(s) with hereditary spastic paraplegia (PMID: 35499206). Invitae Evidence Modeling of protein sequence and biophysical properties (such as structural, functional, and spatial information, amino acid conservation, physicochemical variation, residue mobility, and thermodynamic stability) indicates that this missense variant is not expected to disrupt HSPD1 protein function with a negative predictive value of 80%. In summary, the available evidence is currently insufficient to determine the role of this variant in disease. Therefore, it has been classified as a Variant of Uncertain Significance.

Literature cited by the submitters: PubMed 35499206.